The following is an entry in ClinVar:

ClinVar aggregate classification (germline): Uncertain significance. Review status: criteria provided, multiple submitters, no conflicts (2 of 4 stars). 3 submissions from 3 submitters: Uncertain significance (2). 1 of the submissions does not count toward it. Last evaluated 2026-05-01.

Conditions:
NLRP1-related disorder. Also called: NLRP1-related condition.

Allele frequency attached by ClinVar (database versions not stated): TOPMed 0.00002; gnomAD exomes below 0.00001; gnomAD 0.00002.

Submissions (3):

Women's Health and Genetics/Laboratory Corporation of America, LabCorp
Classification: Uncertain significance. Last evaluated: 2026-05-01. Review status: criteria provided, single submitter. Criteria: LabCorp Variant Classification Summary - May 2015. Collection method: clinical testing. Allele origin: germline.
Comment: Variant summary: NLRP1 c.3009G>A (p.Met1003Ile) results in a conservative amino acid change in the encoded protein sequence. Algorithms developed to predict the effect of missense changes on protein structure and function all suggest that this variant is likely to be tolerated. The variant was absent in 251004 control chromosomes. The available data on variant occurrences in the general population are insufficient to allow any conclusion about variant significance. To our knowledge, no occurrence of c.3009G>A in individuals affected with NLRP1-related conditions and no experimental evidence demonstrating its impact on protein function have been reported. ClinVar contains an entry for this variant (Variation ID: 1370754). Based on the evidence outlined above, the variant was classified as uncertain significance.

Labcorp Genetics (formerly Invitae), Labcorp
Classification: Uncertain significance. Last evaluated: 2025-09-15. Review status: criteria provided, single submitter. Criteria: Invitae Variant Classification Sherloc (09022015). Collection method: clinical testing. Allele origin: germline.
Comment: This sequence change replaces methionine, which is neutral and non-polar, with isoleucine, which is neutral and non-polar, at codon 1003 of the NLRP1 protein (p.Met1003Ile). This variant is not present in population databases (gnomAD no frequency). This variant has not been reported in the literature in individuals affected with NLRP1-related conditions. ClinVar contains an entry for this variant (Variation ID: 1370754). An algorithm developed to predict the effect of missense changes on protein structure and function (PolyPhen-2) suggests that this variant is likely to be tolerated. Algorithms developed to predict the effect of sequence changes on RNA splicing suggest that this variant may disrupt the consensus splice site. In summary, the available evidence is currently insufficient to determine the role of this variant in disease. Therefore, it has been classified as a Variant of Uncertain Significance.

PreventionGenetics, part of Exact Sciences
Classification: Uncertain significance for NLRP1-related condition. Last evaluated: 2024-08-28. Review status: no assertion criteria provided. Collection method: clinical testing. Allele origin: germline. Not counted in ClinVar's aggregate classification.
Comment: The NLRP1 c.3009G>A variant is predicted to result in the amino acid substitution p.Met1003Ile. To our knowledge, this variant has not been reported in the literature. This variant is present in 1 allele out 31,380 alleles in gnomAD. At this time, the clinical significance of this variant is uncertain due to the absence of conclusive functional and genetic evidence.

NM_033004.4(NLRP1):c.3009G>A (p.Met1003Ile)

Gene: NLRP1 (NLR family pyrin domain containing 1; minus strand). Cytogenetic location: 17p13.2.
Variant type: single nucleotide variant.
Coding change: c.3009G>A on transcript NM_033004.4 (MANE Select); coding-DNA position 3009, G replaced by A.
Protein change: p.Met1003Ile; replaces methionine 1003 with isoleucine.
Molecular consequence: missense variant.
Genome position (GRCh38, 1-based): chr17:5,533,940, C>T on the plus strand (G>A on the coding strand, the complement: NLRP1 is on the minus strand). VCF-style: chr17-5533940-C-T. GRCh37 (hg19) VCF-style: chr17-5437260-C-T.
Other names: c.3009G>A, p.Met1003Ile (NM_001033053.3, NM_014922.5); c.2919G>A, p.Met973Ile (NM_033006.4, NM_033007.4); c.3009G>A (NM_033004.3); short protein forms M1003I, M973I.
Identifiers: ClinVar variation 1370754 (VCV001370754.11), dbSNP rs1407966471, ClinGen allele CA397392081.